The following is an entry in ClinVar:

ClinVar aggregate classification (germline): Uncertain significance. Review status: criteria provided, multiple submitters, no conflicts (2 of 4 stars). 3 submissions from 3 submitters: Uncertain significance (3). Last evaluated 2025-01-06.

Conditions:
Hereditary cancer-predisposing syndrome. Also called: Hereditary neoplastic syndrome; Hereditary Cancer Syndrome; Tumor predisposition; Neoplastic Syndromes, Hereditary. Identifiers: Orphanet 140162, MedGen C0027672, MeSH D009386, MONDO:0015356.
Hereditary breast ovarian cancer syndrome. Also called: Hereditary breast and ovarian cancer; Hereditary breast and/or ovarian cancer syndrome; Hereditary breast and ovarian cancer syndrome (HBOC); Breast and ovarian cancer; Hereditary breast and ovarian cancer syndrome; BRCA1- and BRCA2-Associated Hereditary Breast and Ovarian Cancer. Identifiers: Orphanet 145, MedGen C0677776, MeSH D061325, MONDO:0003582. Disease mechanism: loss of function.

Submissions (3):

Ambry Genetics
Classification: Uncertain significance for Hereditary cancer-predisposing syndrome. Last evaluated: 2025-01-06. Review status: criteria provided, single submitter. Criteria: Ambry Variant Classification Scheme 2023. Collection method: clinical testing. Allele origin: germline.
Comment: The p.Q2539H variant (also known as c.7617G>C), located in coding exon 14 of the BRCA2 gene, results from a G to C substitution at nucleotide position 7617. The glutamine at codon 2539 is replaced by histidine, an amino acid with highly similar properties. However, this change occurs in the last base pair of coding exon 14, which makes it likely to have some effect on normal mRNA splicing.This nucleotide position is highly conserved in available vertebrate species. This amino acid position is well conserved in available vertebrate species. In silico splice site analysis predicts that this alteration will weaken the native splice donor site. In addition, as a missense substitution this is predicted to be inconclusive by in silico analysis. Based on the available evidence, the clinical significance of this variant remains unclear.

Quest Diagnostics Nichols Institute San Juan Capistrano
Classification: Uncertain significance. Last evaluated: 2024-01-23. Review status: criteria provided, single submitter. Criteria: Quest Diagnostics criteria. Collection method: clinical testing. Allele origin: unknown.
Comment: The BRCA2 c.7617G>C (p.Gln2539His) variant has not been reported in individuals with BRCA2-related conditions in the published literature. The frequency of this variant in the general population, 0.0000066 (1/152164 chromosomes (Genome Aggregation Database)), is uninformative in the assessment of its pathogenicity. Analysis of this variant using bioinformatics tools for the prediction of the effect of amino acid changes on protein structure and function yielded predictions that this variant is damaging. Based on the available information, we are unable to determine the clinical significance of this variant.

Labcorp Genetics (formerly Invitae), Labcorp
Classification: Uncertain significance for Hereditary breast ovarian cancer syndrome. Last evaluated: 2022-05-04. Review status: criteria provided, single submitter. Criteria: Invitae Variant Classification Sherloc (09022015). Collection method: clinical testing. Allele origin: germline.
Comment: This sequence change replaces glutamine, which is neutral and polar, with histidine, which is basic and polar, at codon 2539 of the BRCA2 protein (p.Gln2539His). This variant also falls at the last nucleotide of exon 15, which is part of the consensus splice site for this exon. This variant is not present in population databases (gnomAD no frequency). This variant has not been reported in the literature in individuals affected with BRCA2-related conditions. Algorithms developed to predict the effect of missense changes on protein structure and function are either unavailable or do not agree on the potential impact of this missense change (SIFT: "Deleterious"; PolyPhen-2: "Possibly Damaging"; Align-GVGD: "Class C0"). Variants that disrupt the consensus splice site are a relatively common cause of aberrant splicing (PMID: 17576681, 9536098). Algorithms developed to predict the effect of sequence changes on RNA splicing suggest that this variant may disrupt the consensus splice site. In summary, the available evidence is currently insufficient to determine the role of this variant in disease. Therefore, it has been classified as a Variant of Uncertain Significance.

Literature cited by the submitters: PubMed 17576681 (cited by Labcorp Genetics (formerly Invitae), Labcorp); PubMed 9536098 (cited by Labcorp Genetics (formerly Invitae), Labcorp).

NM_000059.4(BRCA2):c.7617G>C (p.Gln2539His)

Gene: BRCA2 (BRCA2 DNA repair associated; plus strand). Cytogenetic location: 13q13.1.
Variant type: single nucleotide variant.
Coding change: c.7617G>C on transcript NM_000059.4 (MANE Select); coding-DNA position 7617, G replaced by C.
Protein change: p.Gln2539His; replaces glutamine 2539 with histidine.
Molecular consequence: missense variant.
Genome position (GRCh38, 1-based): chr13:32,356,609, G>C. VCF-style: chr13-32356609-G-C. GRCh37 (hg19) VCF-style: chr13-32930746-G-C.
Other names: c.7521G>C, p.Gln2507His (NM_001406719.1); c.7617G>C, p.Gln2539His (NM_001406720.1); c.2685G>C, p.Gln895His (NM_001406721.1); c.1200G>C, p.Gln400His (NM_001406722.1); short protein forms Q2539H, Q895H, Q400H, Q2507H.
Identifiers: ClinVar variation 2133673 (VCV002133673.3), dbSNP rs1442441018, ClinGen allele CA387744043.